The following is an entry in ClinVar:

NM_006003.3(UQCRFS1):c.519C>G (p.Pro173=)

Gene: UQCRFS1 (ubiquinol-cytochrome c reductase, Rieske iron-sulfur polypeptide 1; minus strand). Cytogenetic location: 19q12.
Variant type: single nucleotide variant.
Coding change: c.519C>G on transcript NM_006003.3 (MANE Select); coding-DNA position 519, C replaced by G.
Protein change: p.Pro173=; no amino-acid change (proline 173 retained).
Molecular consequence: synonymous variant.
Genome position (GRCh38, 1-based): chr19:29,207,854, G>C on the plus strand (C>G on the coding strand, the complement: UQCRFS1 is on the minus strand). VCF-style: chr19-29207854-G-C. GRCh37 (hg19) VCF-style: chr19-29698761-G-C.
Identifiers: ClinVar variation 1176071 (VCV001176071.36), dbSNP rs151022246, ClinGen allele CA9350824.

ClinVar aggregate classification (germline): Likely benign. Review status: criteria provided, multiple submitters, no conflicts (2 of 4 stars). 2 submissions from 2 submitters: Likely benign (2). Last evaluated 2025-02-01.

Allele frequency attached by ClinVar (database versions not stated): ExAC 0.00031; ESP Exome Variant Server 0.00008; gnomAD 0.00014 and 0.00017; TOPMed 0.00014; gnomAD exomes 0.00023.
gnomAD v4.1: 342 of 1,613,972 alleles (0.021%); highest among the groups gnomAD compares: Middle Eastern, 0.33%; 1 homozygote.

Submissions (2):

CeGaT Center for Human Genetics Tuebingen
Classification: Likely benign. Last evaluated: 2025-02-01. Review status: criteria provided, single submitter. Criteria: CeGaT Center For Human Genetics Tuebingen Variant Classification Criteria Version 2. Collection method: clinical testing. Allele origin: germline. Affected: yes. Observed: 5 variant alleles.
Comment: UQCRFS1: BP4, BP7

Blueprint Genetics
Classification: Likely benign. Last evaluated: 2024-11-21. Review status: criteria provided, single submitter. Criteria: ACMG Guidelines, 2015. Collection method: clinical testing. Allele origin: germline.